The following is an entry in ClinVar:

ClinVar aggregate classification (germline): Uncertain significance (1 of 4 stars; one submission).

Allele frequency attached by ClinVar (database versions not stated): gnomAD exomes below 0.00001.

Submission:

Labcorp Genetics (formerly Invitae), Labcorp
Classification: Uncertain significance. Last evaluated: 2024-08-11. Review status: criteria provided, single submitter. Criteria: Invitae Variant Classification Sherloc (09022015). Collection method: clinical testing. Allele origin: germline.
Comment: This sequence change replaces methionine, which is neutral and non-polar, with isoleucine, which is neutral and non-polar, at codon 121 of the MRAS protein (p.Met121Ile). This variant is present in population databases (no rsID available, gnomAD 0.003%). This variant has not been reported in the literature in individuals affected with MRAS-related conditions. ClinVar contains an entry for this variant (Variation ID: 1411423). An algorithm developed to predict the effect of missense changes on protein structure and function (PolyPhen-2) suggests that this variant is likely to be tolerated. In summary, the available evidence is currently insufficient to determine the role of this variant in disease. Therefore, it has been classified as a Variant of Uncertain Significance.

NM_001085049.3(MRAS):c.363G>A (p.Met121Ile)

Gene: MRAS (muscle RAS oncogene homolog; plus strand). Cytogenetic location: 3q22.3.
Variant type: single nucleotide variant.
Coding change: c.363G>A on transcript NM_001085049.3 (MANE Select); coding-DNA position 363, G replaced by A.
Protein change: p.Met121Ile; replaces methionine 121 with isoleucine.
Molecular consequence: missense variant.
Genome position (GRCh38, 1-based): chr3:138,398,484, G>A. VCF-style: chr3-138398484-G-A. GRCh37 (hg19) VCF-style: chr3-138117326-G-A.
Other names: c.363G>A, p.Met121Ile (NM_001252090.2, NM_012219.4); c.135G>A, p.Met45Ile (NM_001252091.1, NM_001252092.2, NM_001252093.2); short protein forms M121I, M45I.
Identifiers: ClinVar variation 1411423 (VCV001411423.6), dbSNP rs915324437, ClinGen allele CA83905467.